The following is an entry in ClinVar:

NM_000038.6(APC):c.1401T>A (p.Asn467Lys)

Gene: APC (APC regulator of Wnt signaling pathway; plus strand). Cytogenetic location: 5q22.2.
Variant type: single nucleotide variant.
Coding change: c.1401T>A on transcript NM_000038.6 (MANE Select); coding-DNA position 1401, T replaced by A.
Protein change: p.Asn467Lys; replaces asparagine 467 with lysine.
Molecular consequence: missense variant. On other transcripts: non-coding transcript variant (2).
Genome position (GRCh38, 1-based): chr5:112,821,984, T>A. VCF-style: chr5-112821984-T-A. GRCh37 (hg19) VCF-style: chr5-112157681-T-A.
Other names: c.1401T>A, p.Asn467Lys (NM_001127510.3, NM_001354895.2, NM_001354896.2 and 4 more transcripts); c.1347T>A, p.Asn449Lys (NM_001127511.3); c.1431T>A, p.Asn477Lys (NM_001354897.2, NM_001407446.1); c.1326T>A, p.Asn442Lys (NM_001354898.2, NM_001407451.1); c.1317T>A, p.Asn439Lys (NM_001354899.2, NM_001407452.1); c.1224T>A, p.Asn408Lys (NM_001354900.2, NM_001354901.2, NM_001407453.1); c.1098T>A, p.Asn366Lys (NM_001407454.1, NM_001407455.1, NM_001407456.1 and 5 more transcripts); c.1014T>A, p.Asn338Lys (NM_001407467.1, NM_001407469.1); and 6 more; short protein forms N307K, N467K, N83K, N341K, N442K, N449K, N376K, N408K.
Identifiers: ClinVar variation 2757996 (VCV002757996.4), dbSNP rs2149792799, ClinGen allele CA16024376.
Genomic context (GRCh38, chr5:112,821,984, plus strand): 5'-TCCTGCTGTGTGTGTTCTAATGAAACTTTCATTTGATGAAGAGCATAGACATGCAATGAA[T>A]GAACTAGGTAAGACAAAAATGTTTTTTAATGACATAGACAATTACTGGTGGATTTTTAAA-3'
Protein context (NP_000029.2, residues 457-477): SFDEEHRHAM[Asn467Lys]ELGGLQAIAE

ClinVar aggregate classification (germline): Uncertain significance. Review status: criteria provided, multiple submitters, no conflicts (2 of 4 stars). 2 submissions from 2 submitters: Uncertain significance (2). Last evaluated 2026-07-06.

Conditions:
Familial adenomatous polyposis 1 (FAP1). Also called: POLYPOSIS, ADENOMATOUS INTESTINAL; FAMILIAL ADENOMATOUS POLYPOSIS 1, ATTENUATED. Identifiers: MedGen C2713442, MONDO:0021056, OMIM 175100. Disease mechanism: loss of function.
Hereditary cancer-predisposing syndrome. Also called: Hereditary Cancer Syndrome; Hereditary neoplastic syndrome; Neoplastic Syndromes, Hereditary; Tumor predisposition. Identifiers: Orphanet 140162, MedGen C0027672, MeSH D009386, MONDO:0015356.

Submissions (2):

Ambry Genetics
Classification: Uncertain significance for Hereditary cancer-predisposing syndrome. Last evaluated: 2026-07-06. Review status: criteria provided, single submitter. Criteria: Ambry Variant Classification Scheme 2023. Collection method: clinical testing. Allele origin: germline.
Comment: The p.N467K variant (also known as c.1401T>A), located in coding exon 10 of the APC gene, results from a T to A substitution at nucleotide position 1401. The asparagine at codon 467 is replaced by lysine, an amino acid with similar properties. This amino acid position is conserved. In addition, in silico predictors for this gene do not accurately predict pathogenicity. Based on the available evidence, the clinical significance of this variant remains unclear.

Labcorp Genetics (formerly Invitae), Labcorp
Classification: Uncertain significance for Familial adenomatous polyposis 1. Last evaluated: 2024-09-01. Review status: criteria provided, single submitter. Criteria: Invitae Variant Classification Sherloc (09022015). Collection method: clinical testing. Allele origin: germline.
Comment: This sequence change replaces asparagine, which is neutral and polar, with lysine, which is basic and polar, at codon 467 of the APC protein (p.Asn467Lys). This variant is not present in population databases (gnomAD no frequency). This variant has not been reported in the literature in individuals affected with APC-related conditions. Invitae Evidence Modeling of protein sequence and biophysical properties (such as structural, functional, and spatial information, amino acid conservation, physicochemical variation, residue mobility, and thermodynamic stability) indicates that this missense variant is not expected to disrupt APC protein function with a negative predictive value of 95%. In summary, the available evidence is currently insufficient to determine the role of this variant in disease. Therefore, it has been classified as a Variant of Uncertain Significance.